The following is an entry in ClinVar:

ClinVar aggregate classification (germline): Conflicting classifications of pathogenicity. Review status: criteria provided, conflicting classifications (1 of 4 stars). 4 submissions from 4 submitters: Likely pathogenic (1); Uncertain significance (3). Last evaluated 2024-06-06.

Conditions:
Tyrosinase-positive oculocutaneous albinism (OCA2). Also called: ALBINISM II; Oculocutaneous albinism type 2; Albinism, oculocutaneous, type II. Identifiers: Orphanet 79432, MedGen C0268495, MONDO:0008746, OMIM 203200.
SKIN/HAIR/EYE PIGMENTATION 1, BLUE/NONBLUE EYES (SHEP1). Also called: BROWN EYE COLOR 2; EYE COLOR 3; EYE COLOR, BLUE/NONBLUE; EYE COLOR, BROWN/BLUE; HAIR COLOR 3; SKIN/HAIR/EYE PIGMENTATION 1, BLOND/BROWN HAIR. Identifiers: MedGen C1856895, OMIM 227220.

gnomAD v4.1: 5 of 1,611,552 alleles (0.00031%); highest among the groups gnomAD compares: East Asian, 0.011%; no homozygotes.

Submissions (4):

Fulgent Genetics
Classification: Likely pathogenic for Tyrosinase-positive oculocutaneous albinism; SKIN/HAIR/EYE PIGMENTATION 1, BLUE/NONBLUE EYES. Last evaluated: 2024-06-06. Review status: criteria provided, single submitter. Criteria: ACMG Guidelines, 2015. Collection method: clinical testing. Allele origin: germline.

Labcorp Genetics (formerly Invitae), Labcorp
Classification: Uncertain significance. Last evaluated: 2022-04-09. Review status: criteria provided, single submitter. Criteria: Invitae Variant Classification Sherloc (09022015). Collection method: clinical testing. Allele origin: germline.
Comment: This sequence change falls in intron 21 of the OCA2 gene. It does not directly change the encoded amino acid sequence of the OCA2 protein. This variant is present in population databases (rs368772032, gnomAD 0.03%). This variant has been observed in individual(s) with clinical features of oculocutaneous albinism (Invitae). ClinVar contains an entry for this variant (Variation ID: 436091). Algorithms developed to predict the effect of sequence changes on RNA splicing suggest that this variant may disrupt the consensus splice site. In summary, the available evidence is currently insufficient to determine the role of this variant in disease. Therefore, it has been classified as a Variant of Uncertain Significance.

Genetic Services Laboratory, University of Chicago
Classification: Uncertain significance. Last evaluated: 2016-02-26. Review status: criteria provided, single submitter. Criteria: ACMG Guidelines, 2015. Collection method: clinical testing. Allele origin: germline. Affected: no.

Juno Genomics, Hangzhou Juno Genomics, Inc
Classification: Uncertain significance for Tyrosinase-positive oculocutaneous albinism. Review status: criteria provided, single submitter. Criteria: ACMG Guidelines, 2015. Collection method: clinical testing. Allele origin: germline. Affected: yes.
Comment: Absent from controls (or at extremely low frequency if recessive) in Genome Aggregation Database, Exome Sequencing Project, 1000 Genomes Project, or Exome Aggregation Consortium.;Multiple lines of computational evidence support a deleterious effect on the gene or gene product (conservation, evolutionary, splicing impact, etc).;For recessive disorders, detected in trans with a pathogenic variant.;Patient's phenotype or family history is highly specific for a disease with a single genetic etiology.

NM_000275.3(OCA2):c.2245-6C>G

Gene: OCA2 (OCA2 melanosomal transmembrane protein; minus strand). Cytogenetic location: 15q13.1.
Variant type: single nucleotide variant.
Coding change: c.2245-6C>G on transcript NM_000275.3 (MANE Select); 6 bases into the intron before coding-DNA position 2245, C replaced by G.
Molecular consequence: intron variant.
Genome position (GRCh38, 1-based): chr15:27,851,481, G>C on the plus strand (C>G on the coding strand, the complement: OCA2 is on the minus strand). VCF-style: chr15-27851481-G-C. GRCh37 (hg19) VCF-style: chr15-28096627-G-C.
Other names: c.2173-6C>G (NM_001300984.2).
Identifiers: ClinVar variation 436091 (VCV000436091.10), dbSNP rs368772032, ClinGen allele CA7438670.